The following is an entry in ClinVar:

ClinVar aggregate classification (germline): Pathogenic (1 of 4 stars; one submission).

Submission:

Labcorp Genetics (formerly Invitae), Labcorp
Classification: Pathogenic. Last evaluated: 2022-12-15. Review status: criteria provided, single submitter. Criteria: Invitae Variant Classification Sherloc (09022015). Collection method: clinical testing. Allele origin: germline.
Comment: This variant is not present in population databases (gnomAD no frequency). This sequence change creates a premature translational stop signal (p.Ile270Argfs*18) in the TRMU gene. It is expected to result in an absent or disrupted protein product. Loss-of-function variants in TRMU are known to be pathogenic (PMID: 19732863, 23625533). This variant has not been reported in the literature in individuals affected with TRMU-related conditions. For these reasons, this variant has been classified as Pathogenic.

Literature cited by the submitters: PubMed 19732863; PubMed 23625533.

NM_018006.5(TRMU):c.809_810del (p.Ile270fs)

Gene: TRMU (tRNA mitochondrial 2-thiouridylase; plus strand). Cytogenetic location: 22q13.31.
Variant type: Deletion.
Coding change: c.809_810del on transcript NM_018006.5 (MANE Select); coding-DNA positions 809 to 810, 2 bases deleted (TA; older notation c.809_810delTA).
Protein change: p.Ile270fs; shifts the reading frame from isoleucine 270.
Molecular consequence: frameshift variant. On other transcripts: non-coding transcript variant (2).
Genome position (GRCh38, 1-based): chr22:46,353,803-46,353,804, TA deleted; deleting any 2 consecutive bases within chr22:46,353,802-46,353,804 gives the same sequence; the c. name uses the placement nearest the transcript's 3' end. VCF-style (leftmost placement, unchanged base first): chr22-46353801-CAT-C. GRCh37 (hg19) VCF-style: chr22-46749698-CAT-C.
Other names: c.*253_*254delTA (NM_001008568.2); c.*347_*348delTA (NM_001008570.2); c.467_468del, p.Ile156fs (NM_001282782.2); c.389_390del, p.Ile130fs (NM_001282783.2, NM_001282784.2); c.809_810del, p.Ile270fs (NM_001282785.2); short protein forms I156fs, I130fs, I270fs.
Identifiers: ClinVar variation 2006296 (VCV002006296.4), dbSNP rs2518201657, ClinGen allele CA2577752789.
Genomic context (GRCh38, chr22:46,353,801, plus strand): 5'-CTCATGGAGAAACTGTCTTTCTGTAGGTTGGTTCCTGTATACCTTGGGCCAGAGAGCAAA[CAT>C]AGGTGGCCTGAGAGAGCCCTGGTACGTGGTGGAGAAGGACAGCGTCAAGGGTGACGTGTT-3'